The following is an entry in ClinVar:

NM_133379.5(TTN):c.16508G>C (p.Ser5503Thr)

Gene: TTN (titin; minus strand). Cytogenetic location: 2q31.2.
Variant type: single nucleotide variant.
Coding change: c.16508G>C on transcript NM_133379.5; coding-DNA position 16508, G replaced by C.
Protein change: p.Ser5503Thr; replaces serine 5503 with threonine.
Molecular consequence: missense variant. On other transcripts: intron variant (6).
Genome position (GRCh38, 1-based): chr2:178,745,892, C>G on the plus strand (G>C on the coding strand, the complement: TTN is on the minus strand). VCF-style: chr2-178745892-C-G. GRCh37 (hg19) VCF-style: chr2-179610619-C-G.
Other names: p.S5503T:AGT>ACT; c.10360+7232G>C (NM_133378.4); c.10361-3971G>C (NM_001256850.1); c.10223-3971G>C (NM_003319.4); c.10799-3971G>C (NM_133437.4); c.10598-3971G>C (NM_133432.3); c.11312-3971G>C (NM_001267550.2); c.16508G>C (NM_133379.4); short protein forms S5503T.
Identifiers: ClinVar variation 47803 (VCV000047803.18), dbSNP rs16866489, ClinGen allele CA284500.

ClinVar aggregate classification (germline): Benign. Review status: criteria provided, multiple submitters, no conflicts (2 of 4 stars). 8 submissions from 8 submitters: Benign (5). 3 of the submissions do not count toward it. Last evaluated 2025-04-09.

Allele frequency attached by ClinVar (database versions not stated): gnomAD exomes 0.00152; ExAC 0.00202; 1000 Genomes Project 30x 0.00547; 1000 Genomes Project 0.00579; gnomAD 0.00587 and 0.00635; ESP Exome Variant Server 0.00631; TOPMed 0.00674.
gnomAD v4.1: 1,815 of 1,611,990 alleles (0.11%); highest among the groups gnomAD compares: African/African-American, 2.2%; 18 homozygotes.

Submissions (8):

Molecular Diagnostic Laboratory for Inherited Cardiovascular Disease, Montreal Heart Institute
Classification: Benign. Last evaluated: 2025-04-09. Review status: criteria provided, single submitter. Criteria: ACMG Guidelines, 2015. Collection method: clinical testing. Allele origin: germline. Affected: no.

ARUP Laboratories, Molecular Genetics and Genomics, ARUP Laboratories
Classification: Benign. Last evaluated: 2021-02-04. Review status: criteria provided, single submitter. Criteria: ARUP Molecular Germline Variant Investigation Process 2021. Collection method: clinical testing. Allele origin: germline.

GeneDx
Classification: Benign. Last evaluated: 2014-12-19. Review status: criteria provided, single submitter. Criteria: GeneDx Variant Classification (06012015). Collection method: clinical testing. Allele origin: germline. Affected: yes.
Comment: This variant is considered likely benign or benign based on one or more of the following criteria: it is a conservative change, it occurs at a poorly conserved position in the protein, it is predicted to be benign by multiple in silico algorithms, and/or has population frequency not consistent with disease.

Laboratory for Molecular Medicine, Mass General Brigham Personalized Medicine
Classification: Benign. Last evaluated: 2012-03-16. Review status: criteria provided, single submitter. Criteria: LMM Criteria. Collection method: clinical testing. Allele origin: germline. Observed: 2 variant alleles.
Comment: Ser5503Thr in exon 45A of TTN: This variant is not expected to have clinical sig nificance because it has been identified in 1.9% (71/3738) of African American c hromosomes from a broad population by the NHLBI Exome Sequencing Project (dbSNP rs16866489).

Breakthrough Genomics
Classification: Benign. Review status: criteria provided, single submitter. Criteria: ACMG Guidelines, 2015. Collection method: not provided. Allele origin: germline. Inheritance: Autosomal recessive inheritance. Affected: yes.

Clinical Genetics DNA and cytogenetics Diagnostics Lab, Erasmus MC, Erasmus Medical Center
Classification: Benign. Review status: no assertion criteria provided. Collection method: clinical testing. Allele origin: germline. Affected: yes. Study: VKGL Data-share Consensus. Not counted in ClinVar's aggregate classification.

Clinical Genetics, Academic Medical Center
Classification: Benign. Review status: no assertion criteria provided. Collection method: clinical testing. Allele origin: germline. Affected: yes. Study: VKGL Data-share Consensus. Not counted in ClinVar's aggregate classification.

Laboratory of Diagnostic Genome Analysis, Leiden University Medical Center (LUMC)
Classification: Likely benign. Review status: no assertion criteria provided. Collection method: clinical testing. Allele origin: germline. Affected: yes. Study: VKGL Data-share Consensus. Not counted in ClinVar's aggregate classification.